The following is an entry in ClinVar:

ClinVar aggregate classification (germline): Uncertain significance (1 of 4 stars; one submission).

Conditions:
Hereditary breast ovarian cancer syndrome. Also called: BRCA1- and BRCA2-Associated Hereditary Breast and Ovarian Cancer; Hereditary breast and ovarian cancer syndrome (HBOC); Hereditary breast and/or ovarian cancer syndrome; Hereditary breast and ovarian cancer syndrome; Hereditary breast and ovarian cancer; Breast and ovarian cancer. Identifiers: Orphanet 145, MedGen C0677776, MeSH D061325, MONDO:0003582. Disease mechanism: loss of function.

Submission:

Labcorp Genetics (formerly Invitae), Labcorp
Classification: Uncertain significance for Hereditary breast ovarian cancer syndrome. Last evaluated: 2016-12-07. Review status: criteria provided, single submitter. Criteria: Invitae Variant Classification Sherloc (09022015). Collection method: clinical testing. Allele origin: germline.
Comment: In summary, this variant is a novel missense change that is not predicted to affect protein function. There is no indication that it causes disease, but the available evidence is currently insufficient to prove that conclusively. Therefore, it has been classified as a Variant of Uncertain Significance. Algorithms developed to predict the effect of missense changes on protein structure and function output the following: (SIFT: "Tolerated"; PolyPhen-2: "Benign"; Align-GVGD: "Class C0"). The phenylalanine amino acid residue is found in multiple mammalian species, suggesting that this missense change does not adversely affect protein function. These predictions have not been confirmed by published functional studies. This variant is not present in population databases (ExAC no frequency) and has not been reported in the literature in individuals with a BRCA1-related disease. This sequence change replaces leucine with phenylalanine at codon 1547 of the BRCA1 protein (p.Leu1547Phe). The leucine residue is moderately conserved and there is a small physicochemical difference between leucine and phenylalanine.

NM_007294.4(BRCA1):c.4641G>T (p.Leu1547Phe)

Gene: BRCA1 (BRCA1 DNA repair associated; minus strand). Cytogenetic location: 17q21.31.
Variant type: single nucleotide variant.
Coding change: c.4641G>T on transcript NM_007294.4 (MANE Select); coding-DNA position 4641, G replaced by T.
Protein change: p.Leu1547Phe; replaces leucine 1547 with phenylalanine.
Molecular consequence: missense variant. On other transcripts: non-coding transcript variant (1).
Genome position (GRCh38, 1-based): chr17:43,074,365, C>A on the plus strand (G>T on the coding strand, the complement: BRCA1 is on the minus strand). VCF-style: chr17-43074365-C-A. GRCh37 (hg19) VCF-style: chr17-41226382-C-A.
Other names: c.4434G>T, p.Leu1478Phe (NM_001407874.1, NM_001407875.1); c.4707G>T, p.Leu1569Phe (NM_001407581.1, NM_001407582.1); c.1206G>T, p.Leu402Phe (NM_001408442.1, NM_001408443.1, NM_001408444.1 and 10 more transcripts); c.4431G>T, p.Leu1477Phe (NM_001407879.1, NM_001407881.1, NM_001407882.1 and 5 more transcripts); c.4704G>T, p.Leu1568Phe (NM_001407583.1, NM_001407585.1, NM_001407587.1 and 1 more transcripts); c.1203G>T, p.Leu401Phe (NM_001408445.1, NM_001408446.1, NM_001408447.1 and 2 more transcripts); c.4635G>T, p.Leu1545Phe (NM_001407632.1, NM_001407633.1, NM_001407634.1 and 14 more transcripts); c.4632G>T, p.Leu1544Phe (NM_001407644.1, NM_001407645.1); and 68 more; short protein forms L1547F, L1568F, L443F, L1500F, L1420F, L1457F, L1477F, L1478F.
Identifiers: ClinVar variation 219819 (VCV000219819.10), dbSNP rs864622265, ClinGen allele CA350692.
Genomic context (GRCh38, chr17:43,074,365, plus strand): 5'-TTCCAATACAGCAGATGAAATATTACCTAGATCTTGCCTTGGCAAGTAAGATGTTTCCGT[C>A]AAATCGTGTGGCCCAGACTCTTCCAGCTGTTGCTCCTCCACATCAACAACCTTAATGAGC-3'
Protein context (NP_009225.1, residues 1537-1557): QQLEESGPHD[Leu1547Phe]TETSYLPRQD